The following is an entry in ClinVar:

NM_024408.4(NOTCH2):c.835G>A (p.Val279Ile)

Gene: NOTCH2 (notch receptor 2; minus strand). Cytogenetic location: 1p12.
Variant type: single nucleotide variant.
Coding change: c.835G>A on transcript NM_024408.4 (MANE Select); coding-DNA position 835, G replaced by A.
Protein change: p.Val279Ile; replaces valine 279 with isoleucine.
Molecular consequence: missense variant.
Genome position (GRCh38, 1-based): chr1:119,986,999, C>T on the plus strand (G>A on the coding strand, the complement: NOTCH2 is on the minus strand). VCF-style: chr1-119986999-C-T. GRCh37 (hg19) VCF-style: chr1-120529622-C-T.
Other names: c.835G>A, p.Val279Ile (NM_001200001.2); short protein forms V279I.
Identifiers: ClinVar variation 4799937 (VCV004799937.1).

ClinVar aggregate classification (germline): Uncertain significance (1 of 4 stars; one submission).

Conditions:
Hajdu-Cheney syndrome (HJCYS). Also called: ACROOSTEOLYSIS WITH OSTEOPOROSIS AND CHANGES IN SKULL AND MANDIBLE; SERPENTINE FIBULA-POLYCYSTIC KIDNEY SYNDROME; Acroosteolysis dominant type. Identifiers: Orphanet 955, MedGen C0917715, MONDO:0007057, OMIM 102500.

gnomAD v4.1: 2 of 1,613,728 alleles (0.00012%); highest among the groups gnomAD compares: Non-Finnish European, 0.00017%; no homozygotes.

Submission:

Labcorp Genetics (formerly Invitae), Labcorp
Classification: Uncertain significance for Hajdu-Cheney syndrome. Last evaluated: 2026-01-25. Review status: criteria provided, single submitter. Criteria: Invitae Variant Classification Sherloc (09022015). Collection method: clinical testing. Allele origin: germline.
Comment: This sequence change replaces valine, which is neutral and non-polar, with isoleucine, which is neutral and non-polar, at codon 279 of the NOTCH2 protein (p.Val279Ile). This variant is not present in population databases (gnomAD no frequency). This variant has not been reported in the literature in individuals affected with NOTCH2-related conditions. Invitae Evidence Modeling of protein sequence and biophysical properties (such as structural, functional, and spatial information, amino acid conservation, physicochemical variation, residue mobility, and thermodynamic stability) indicates that this missense variant is not expected to disrupt NOTCH2 protein function with a negative predictive value of 95%. In summary, the available evidence is currently insufficient to determine the role of this variant in disease. Therefore, it has been classified as a Variant of Uncertain Significance.